The following is an entry in ClinVar:

ClinVar aggregate classification (germline): Uncertain significance (1 of 4 stars; one submission).

Conditions:
Yoon-Bellen neurodevelopmental syndrome (YOBELN). Identifiers: MedGen C5562066, MONDO:0859221, OMIM 619701.

Submission:

OLLIN Analises Genomicas, OLLIN
Classification: Uncertain significance for Yoon-Bellen neurodevelopmental syndrome. Last evaluated: 2026-08-06. Review status: criteria provided, single submitter. Criteria: ACMG Guidelines 2015 PMID 25741868. Collection method: clinical testing. Allele origin: germline.
Comment: This missense variant, located in exon 23 (of 23), is absent from gnomAD and ClinVar and has not been identified in the literature. In silico analysis is inconclusive regarding the impact of this variant. According to the currently available evidence, this variant has been classified as uncertain significance (PM2_P).

NM_018245.3(OGDHL):c.2964C>G (p.His988Gln)

Gene: OGDHL (oxoglutarate dehydrogenase L; minus strand). Cytogenetic location: 10q11.23.
Variant type: single nucleotide variant.
Coding change: c.2964C>G on transcript NM_018245.3 (MANE Select); coding-DNA position 2964, C replaced by G.
Protein change: p.His988Gln; replaces histidine 988 with glutamine.
Molecular consequence: missense variant. On other transcripts: non-coding transcript variant (5).
Genome position (GRCh38, 1-based): chr10:49,735,297, G>C on the plus strand (C>G on the coding strand, the complement: OGDHL is on the minus strand). VCF-style: chr10-49735297-G-C. GRCh37 (hg19) VCF-style: chr10-50943343-G-C.
Other names: c.2793C>G, p.His931Gln (NM_001143996.2, NM_001347820.1); c.2337C>G, p.His779Gln (NM_001143997.2, NM_001347821.2, NM_001347822.1); c.2964C>G, p.His988Gln (NM_001347819.1); c.2784C>G, p.His928Gln (NM_001347823.1, NM_001347824.2); c.2157C>G, p.His719Gln (NM_001347825.2); c.1767C>G, p.His589Gln (NM_001347826.1); short protein forms H589Q, H931Q, H719Q, H988Q, H779Q, H928Q.
Identifiers: ClinVar variation 5002982 (VCV005002982.1).